The following is an entry in ClinVar:

ClinVar aggregate classification (germline): Uncertain significance (1 of 4 stars; one submission).

Conditions:
Inborn genetic diseases. Identifiers: MedGen C0950123, MeSH D030342.

Submission:

Ambry Genetics
Classification: Uncertain significance for Inborn genetic diseases. Last evaluated: 2024-05-31. Review status: criteria provided, single submitter. Criteria: Ambry Variant Classification Scheme 2023. Collection method: clinical testing. Allele origin: germline.
Comment: The p.D1372V variant (also known as c.4115A>T), located in coding exon 29 of the LRRK2 gene, results from an A to T substitution at nucleotide position 4115. The aspartic acid at codon 1372 is replaced by valine, an amino acid with highly dissimilar properties. This amino acid position is conserved. In addition, this alteration is predicted to be deleterious by in silico analysis. Based on the available evidence, the clinical significance of this variant remains unclear.

NM_198578.4(LRRK2):c.4115A>T (p.Asp1372Val)

Gene: LRRK2 (leucine rich repeat kinase 2; plus strand). Cytogenetic location: 12q12.
Variant type: single nucleotide variant.
Coding change: c.4115A>T on transcript NM_198578.4 (MANE Select); coding-DNA position 4115, A replaced by T.
Protein change: p.Asp1372Val; replaces aspartic acid 1372 with valine.
Molecular consequence: missense variant.
Genome position (GRCh38, 1-based): chr12:40,308,622, A>T. VCF-style: chr12-40308622-A-T. GRCh37 (hg19) VCF-style: chr12-40702424-A-T.
Other names: short protein forms D1372V.
Identifiers: ClinVar variation 3292047 (VCV003292047.1).
Genomic context (GRCh38, chr12:40,308,622, plus strand): 5'-AGCAATTAATGAAAACCAAGAAATCAGATCTTGGAATGCAAAGTGCCACAGTTGGCATAG[A>T]TGTGAAAGACTGGCCTATCCAAATAAGAGACAAAAGAAAGAGAGATCTCGTCCTAAATGT-3'
Protein context (NP_940980.4, residues 1362-1382): LGMQSATVGI[Asp1372Val]VKDWPIQIRD